The following is an entry in ClinVar:

NM_004525.3(LRP2):c.3659C>T (p.Ala1220Val)

Gene: LRP2 (LDL receptor related protein 2; minus strand). Cytogenetic location: 2q31.1.
Variant type: single nucleotide variant.
Coding change: c.3659C>T on transcript NM_004525.3 (MANE Select); coding-DNA position 3659, C replaced by T.
Protein change: p.Ala1220Val; replaces alanine 1220 with valine.
Molecular consequence: missense variant.
Genome position (GRCh38, 1-based): chr2:169,242,964, G>A on the plus strand (C>T on the coding strand, the complement: LRP2 is on the minus strand). VCF-style: chr2-169242964-G-A. GRCh37 (hg19) VCF-style: chr2-170099474-G-A.
Other names: NC_000002.11:g.170099474G>A; short protein forms A1220V.
Identifiers: ClinVar variation 259415 (VCV000259415.17), dbSNP rs144723964, ClinGen allele CA1954980.

ClinVar aggregate classification (germline): Benign/Likely benign. Review status: criteria provided, multiple submitters, no conflicts (2 of 4 stars). 8 submissions from 8 submitters: Benign (5); Likely benign (1). 2 of the submissions do not count toward it. Last evaluated 2021-10-01.

Conditions:
Donnai-Barrow syndrome. Also called: FACIOOCULOACOUSTICORENAL SYNDROME; DBS/FOAR SYNDROME. Identifiers: Orphanet 2143, MedGen C1857277, MONDO:0009104, OMIM 222448.

Allele frequency attached by ClinVar (database versions not stated): gnomAD exomes 0.00045 and 0.00120; ExAC 0.00159; ESP Exome Variant Server 0.00361; gnomAD 0.00447 and 0.00467; TOPMed 0.00523; 1000 Genomes Project 30x 0.00796; 1000 Genomes Project 0.00819.
gnomAD v4.1: 1,384 of 1,612,836 alleles (0.086%); highest among the groups gnomAD compares: African/African-American, 1.6%; 20 homozygotes.

Submissions (10):

Fulgent Genetics
Classification: Likely benign for Donnai-Barrow syndrome. Last evaluated: 2021-10-01. Review status: criteria provided, single submitter. Criteria: ACMG Guidelines, 2015. Collection method: clinical testing. Allele origin: unknown.

Genome-Nilou Lab
Classification: Benign for Donnai-Barrow syndrome. Last evaluated: 2021-07-15. Review status: criteria provided, single submitter. Criteria: ACMG Guidelines, 2015. Collection method: clinical testing. Allele origin: germline. Affected: no.

Labcorp Genetics (formerly Invitae), Labcorp
Classification: Benign. Last evaluated: 2019-12-31. Review status: criteria provided, single submitter. Criteria: Invitae Variant Classification Sherloc (09022015). Collection method: clinical testing. Allele origin: germline.

Illumina Laboratory Services, Illumina
Classification: Benign for Donnai-Barrow syndrome. Last evaluated: 2018-01-12. Review status: criteria provided, single submitter. Criteria: ICSL Variant Classification Criteria 13 December 2019. Collection method: clinical testing. Allele origin: germline.
Comment: This variant was observed in the ICSL laboratory as part of a predisposition screen in an ostensibly healthy population. It had not been previously curated by ICSL or reported in the Human Gene Mutation Database (HGMD: prior to June 1st, 2018), and was therefore a candidate for classification through an automated scoring system. Utilizing variant allele frequency, disease prevalence and penetrance estimates, and inheritance mode, an automated score was calculated to assess if this variant is too frequent to cause the disease. Based on the score and internal cut-off values, a variant classified as benign is not then subjected to further curation. The score for this variant resulted in a classification of benign for this disease.

Breakthrough Genomics
Classification: Benign. Review status: criteria provided, single submitter. Criteria: ACMG Guidelines, 2015. Collection method: not provided. Allele origin: germline. Inheritance: Autosomal recessive inheritance. Affected: yes.

PreventionGenetics, part of Exact Sciences
Classification: Benign. Review status: criteria provided, single submitter. Criteria: ACMG Guidelines, 2015. Collection method: clinical testing. Allele origin: germline.

Clinical Genetics DNA and cytogenetics Diagnostics Lab, Erasmus MC, Erasmus Medical Center
Classification: Likely benign. Review status: no assertion criteria provided. Collection method: clinical testing. Allele origin: germline. Affected: yes. Study: VKGL Data-share Consensus. Not counted in ClinVar's aggregate classification.

Dr. Peter K. Rogan Lab, Western University
No classification provided (evidence only). Condition: Familial cancer of breast. Review status: no classification provided. Collection method: in vitro. Allele origin: not applicable. Functional consequence: retained intron. Not counted in ClinVar's aggregate classification.

Dr. Peter K. Rogan Lab, Western University
No classification provided (evidence only). Condition: Familial cancer of breast. Review status: no classification provided. Collection method: in vitro. Allele origin: not applicable. Functional consequence: retained intron. Not counted in ClinVar's aggregate classification.

Laboratory of Diagnostic Genome Analysis, Leiden University Medical Center (LUMC)
Classification: Likely benign. Review status: no assertion criteria provided. Collection method: clinical testing. Allele origin: germline. Affected: yes. Study: VKGL Data-share Consensus. Not counted in ClinVar's aggregate classification.